The following is an entry in ClinVar:

ClinVar aggregate classification (germline): Conflicting classifications of pathogenicity. Review status: criteria provided, conflicting classifications (1 of 4 stars). 4 submissions from 4 submitters: Uncertain significance (2); Likely benign (2). Last evaluated 2026-04-02.

Conditions:
Inborn genetic diseases. Identifiers: MedGen C0950123, MeSH D030342.
Periodic fever-infantile enterocolitis-autoinflammatory syndrome. Also called: Autoinflammation with infantile enterocolitis. Identifiers: Orphanet 436166, MedGen C4015067, MONDO:0014472, OMIM 616050.
Familial cold autoinflammatory syndrome 4 (FCAS4). Identifiers: Orphanet 47045, Orphanet 576349, MedGen C4015276, MONDO:0014498, OMIM 616115.

Allele frequency attached by ClinVar (database versions not stated): gnomAD exomes 0.00006; gnomAD 0.00017 and 0.00019; ExAC 0.00010; TOPMed 0.00018; ESP Exome Variant Server 0.00023.
gnomAD v4.1: 58 of 1,573,084 alleles (0.0037%); highest among the groups gnomAD compares: African/African-American, 0.06%; no homozygotes.

Submissions (4):

Women's Health and Genetics/Laboratory Corporation of America, LabCorp
Classification: Likely benign. Last evaluated: 2026-04-02. Review status: criteria provided, single submitter. Criteria: LabCorp Variant Classification Summary - May 2015. Collection method: clinical testing. Allele origin: germline.
Comment: Variant summary: NLRC4 c.2255C>T (p.Pro752Leu) results in a non-conservative amino acid change in the encoded protein sequence. Algorithms developed to predict the effect of missense changes on protein structure and function are either unavailable or do not agree on the potential impact of this missense change. Consensus agreement among computation tools predict no significant impact on normal splicing. However, these predictions have yet to be confirmed by functional studies. The variant allele was found at a frequency of 6.3e-05 in 223310 control chromosomes. The observed variant frequency exceeds the estimated maximal expected allele frequency for disease-causing variants in NLRC4. To our knowledge, no occurrence of c.2255C>T in individuals affected with NLRC4-related conditions and no experimental evidence demonstrating its impact on protein function have been reported. ClinVar contains an entry for this variant (Variation ID: 945895). Based on the evidence outlined above, the variant was classified as likely benign.

Labcorp Genetics (formerly Invitae), Labcorp
Classification: Uncertain significance for Periodic fever-infantile enterocolitis-autoinflammatory syndrome; Familial cold autoinflammatory syndrome 4. Last evaluated: 2025-12-06. Review status: criteria provided, single submitter. Criteria: Invitae Variant Classification Sherloc (09022015). Collection method: clinical testing. Allele origin: germline.
Comment: This sequence change replaces proline, which is neutral and non-polar, with leucine, which is neutral and non-polar, at codon 752 of the NLRC4 protein (p.Pro752Leu). This variant is present in population databases (rs147496633, gnomAD 0.06%), and has an allele count higher than expected for a pathogenic variant. This variant has not been reported in the literature in individuals affected with NLRC4-related conditions. ClinVar contains an entry for this variant (Variation ID: 945895). An algorithm developed to predict the effect of missense changes on protein structure and function (PolyPhen-2) suggests that this variant is likely to be tolerated. In summary, the available evidence is currently insufficient to determine the role of this variant in disease. Therefore, it has been classified as a Variant of Uncertain Significance.

Ambry Genetics
Classification: Uncertain significance for Inborn genetic diseases. Last evaluated: 2025-05-01. Review status: criteria provided, single submitter. Criteria: Ambry Variant Classification Scheme 2023. Collection method: clinical testing. Allele origin: germline.

Blueprint Genetics
Classification: Likely benign. Last evaluated: 2024-08-12. Review status: criteria provided, single submitter. Criteria: ACMG Guidelines, 2015. Collection method: clinical testing. Allele origin: germline.

NM_001199138.2(NLRC4):c.2255C>T (p.Pro752Leu)

Gene: NLRC4 (NLR family CARD domain containing 4; minus strand). Cytogenetic location: 2p22.3.
Variant type: single nucleotide variant.
Coding change: c.2255C>T on transcript NM_001199138.2 (MANE Select); coding-DNA position 2255, C replaced by T.
Protein change: p.Pro752Leu; replaces proline 752 with leucine.
Molecular consequence: missense variant. On other transcripts: intron variant (1).
Genome position (GRCh38, 1-based): chr2:32,249,609, G>A on the plus strand (C>T on the coding strand, the complement: NLRC4 is on the minus strand). VCF-style: chr2-32249609-G-A. GRCh37 (hg19) VCF-style: chr2-32474678-G-A.
Other names: c.2255C>T, p.Pro752Leu (NM_001199139.2, NM_021209.5); c.262+2810C>T (NM_001302504.1); short protein forms P752L.
Identifiers: ClinVar variation 945895 (VCV000945895.10), dbSNP rs147496633, ClinGen allele CA1601856.